The following is an entry in ClinVar:

NM_001035.3(RYR2):c.10451G>C (p.Gly3484Ala)

Gene: RYR2 (ryanodine receptor 2; plus strand). Cytogenetic location: 1q43.
Variant type: single nucleotide variant.
Coding change: c.10451G>C on transcript NM_001035.3 (MANE Select); coding-DNA position 10451, G replaced by C.
Protein change: p.Gly3484Ala; replaces glycine 3484 with alanine.
Molecular consequence: missense variant.
Genome position (GRCh38, 1-based): chr1:237,717,325, G>C. VCF-style: chr1-237717325-G-C. GRCh37 (hg19) VCF-style: chr1-237880625-G-C.
Other names: short protein forms G3484A.
Identifiers: ClinVar variation 5028678 (VCV005028678.1).

ClinVar aggregate classification (germline): Uncertain significance (1 of 4 stars; one submission).

Conditions:
Cardiovascular phenotype. Identifiers: MedGen CN230736.

Submission:

Ambry Genetics
Classification: Uncertain significance for Cardiovascular phenotype. Last evaluated: 2026-07-06. Review status: criteria provided, single submitter. Criteria: Ambry Variant Classification Scheme 2023. Collection method: clinical testing. Allele origin: germline.
Comment: The p.G3484A variant (also known as c.10451G>C), located in coding exon 72 of the RYR2 gene, results from a G to C substitution at nucleotide position 10451. The glycine at codon 3484 is replaced by alanine, an amino acid with similar properties. This amino acid position is conserved. In addition, the in silico prediction for this alteration is inconclusive. Based on the available evidence, the clinical significance of this variant remains unclear.